The following is an entry in ClinVar:

NM_000179.3(MSH6):c.1974G>A (p.Val658=)

Gene: MSH6 (mutS homolog 6; plus strand). Cytogenetic location: 2p16.3.
Variant type: single nucleotide variant.
Coding change: c.1974G>A on transcript NM_000179.3 (MANE Select); coding-DNA position 1974, G replaced by A.
Protein change: p.Val658=; no amino-acid change (valine 658 retained).
Molecular consequence: synonymous variant.
Genome position (GRCh38, 1-based): chr2:47,799,957, G>A. VCF-style: chr2-47799957-G-A. GRCh37 (hg19) VCF-style: chr2-48027096-G-A.
Other names: p.V658V:GTG>GTA; c.1584G>A, p.Val528= (NM_001281492.2); c.1068G>A, p.Val356= (NM_001281493.2, NM_001281494.2).
Identifiers: ClinVar variation 182629 (VCV000182629.25), dbSNP rs372916347, ClinGen allele CA009504.

ClinVar aggregate classification (germline): Conflicting classifications of pathogenicity. Review status: criteria provided, conflicting classifications (1 of 4 stars). 11 submissions from 11 submitters: Uncertain significance (3); Benign (1); Likely benign (7). Last evaluated 2026-02-02.

Conditions:
MSH6-related disorder. Also called: MSH6-related condition; MSH6-Related disorders.
Hereditary nonpolyposis colorectal neoplasms. Identifiers: MedGen C0009405, MeSH D003123.
Hereditary cancer-predisposing syndrome. Also called: Neoplastic Syndromes, Hereditary; Tumor predisposition; Hereditary neoplastic syndrome; Hereditary Cancer Syndrome. Identifiers: Orphanet 140162, MedGen C0027672, MeSH D009386, MONDO:0015356.
Lynch syndrome. Identifiers: Orphanet 144, MedGen C4552100, MONDO:0005835. Disease mechanism: loss of function.
Lynch syndrome 5 (LYNCH5). Also called: Colorectal cancer, hereditary nonpolyposis, type 5; Hereditary non-polyposis colorectal cancer, type 5. Identifiers: Orphanet 144, MedGen C1833477, MONDO:0013710, OMIM 614350. Disease mechanism: loss of function.

Allele frequency attached by ClinVar (database versions not stated): ExAC 0.00002; gnomAD exomes 0.00003 and 0.00008; gnomAD 0.00004; TOPMed 0.00004; ESP Exome Variant Server 0.00008.
gnomAD v4.1: 115 of 1,614,018 alleles (0.0071%); highest among the groups gnomAD compares: Non-Finnish European, 0.0092%; no homozygotes.

Submissions (11):

Labcorp Genetics (formerly Invitae), Labcorp
Classification: Likely benign for Hereditary nonpolyposis colorectal neoplasms. Last evaluated: 2026-02-02. Review status: criteria provided, single submitter. Criteria: Invitae Variant Classification Sherloc (09022015). Collection method: clinical testing. Allele origin: germline.

PreventionGenetics, part of Exact Sciences
Classification: Likely benign for MSH6-related condition. Last evaluated: 2025-01-11. Review status: criteria provided, single submitter. Criteria: ACMG Guidelines, 2015. Collection method: clinical testing. Allele origin: germline.
Comment: This variant is classified as likely benign based on ACMG/AMP sequence variant interpretation guidelines (Richards et al. 2015 PMID: 25741868, with internal and published modifications).

Myriad Genetics, Inc.
Classification: Benign for Lynch syndrome 5. Last evaluated: 2024-12-30. Review status: criteria provided, single submitter. Criteria: Myriad Autosomal Dominant, Autosomal Recessive and X-Linked Classification Criteria (2023). Collection method: clinical testing. Allele origin: unknown.
Comment: This variant is considered benign. This variant is a silent/synonymous amino acid change and it is not expected to impact splicing.

All of Us Research Program, National Institutes of Health
Classification: Likely benign for Lynch syndrome. Last evaluated: 2024-02-05. Review status: criteria provided, single submitter. Criteria: ACMG Guidelines, 2015. Collection method: clinical testing. Allele origin: germline. Inheritance: Autosomal dominant inheritance. Observed: 7 variant alleles, 7 heterozygotes.
Comment: This study involves interpretation of variants in research participants for the purpose of population health screening. Participant phenotype was not available at the time of variant classification. Additional details can be found in publication PMID: 35346344, PMCID: PMC8962531

Quest Diagnostics Nichols Institute San Juan Capistrano
Classification: Likely benign. Last evaluated: 2023-04-24. Review status: criteria provided, single submitter. Criteria: Quest Diagnostics criteria. Collection method: clinical testing. Allele origin: unknown.

Department of Pathology and Laboratory Medicine, Sinai Health System
Classification: Uncertain significance for Lynch syndrome. Last evaluated: 2022-12-28. Review status: criteria provided, single submitter. Criteria: ACMG Guidelines, 2015. Collection method: clinical testing. Allele origin: germline. Affected: yes.

Women's Health and Genetics/Laboratory Corporation of America, LabCorp
Classification: Likely benign. Last evaluated: 2022-06-13. Review status: criteria provided, single submitter. Criteria: LabCorp Variant Classification Summary - May 2015. Collection method: clinical testing. Allele origin: germline.

Sema4
Classification: Uncertain significance for Hereditary cancer-predisposing syndrome. Last evaluated: 2022-01-03. Review status: criteria provided, single submitter. Criteria: Sema4 Curation Guidelines. Collection method: curation. Allele origin: germline.
Comment: The MSH6 c.1974G>A (p.V658=) variant has not been reported in the literature to our knowledge. It was observed in 9/282534 chromosomes of the large and broad cohorts of the Genome Aggregation Database (PMID: 32461654). The variant has been reported in ClinVar (Variation ID 182629). In silico tools suggest that the variant may create or strengthen a cryptic splice site, though these predictions have not been confirmed by functional studies. The evidence is insufficient to meet ACMG/AMP criteria for classifying the variant as benign or pathogenic. Thus, the clinical significance of this variant is currently uncertain.

GeneDx
Classification: Uncertain significance. Last evaluated: 2018-01-05. Review status: criteria provided, single submitter. Criteria: GeneDx Variant Classification (06012015). Collection method: clinical testing. Allele origin: germline. Affected: yes.
Comment: This variant is denoted MSH6 c.1974G>A at the DNA level. Although the variant is silent at the coding level, preserving a Valine at codon 658, multiple splicing models predict the creation of a novel cryptic splice site. However, in the absence of RNA or functional studies, the actual effect of this variant is unknown. This variant has not, to our knowledge, been published in the literature as pathogenic or benign. MSH6 c.1974G>A was not observed at a significant allele frequency in large population cohorts (Lek 2016). The nucleotide which is altered, a guanine (G) at base 1974, is conserved in mammals. Based on currently available evidence, it is unclear whether MSH6 c.1974G>A is a pathogenic or benign variant. We consider it to be a variant of uncertain significance.

Color Diagnostics, LLC DBA Color Health
Classification: Likely benign for Hereditary cancer-predisposing syndrome. Last evaluated: 2016-01-25. Review status: criteria provided, single submitter. Criteria: ACMG Guidelines, 2015. Collection method: clinical testing. Allele origin: germline.

Ambry Genetics
Classification: Likely benign for Hereditary cancer-predisposing syndrome. Last evaluated: 2014-09-08. Review status: criteria provided, single submitter. Criteria: Ambry Variant Classification Scheme 2023. Collection method: clinical testing. Allele origin: germline.